The following is an entry in ClinVar:

ClinVar aggregate classification (germline): Uncertain significance. Review status: criteria provided, multiple submitters, no conflicts (2 of 4 stars). 2 submissions from 2 submitters: Uncertain significance (2). Last evaluated 2026-01-29.

Conditions:
REST-related disorder. Also called: REST-related condition.

Allele frequency attached by ClinVar (database versions not stated): gnomAD exomes below 0.00001; ExAC 0.00001; gnomAD 0.00001; TOPMed 0.00001.
gnomAD v4.1: 9 of 1,614,126 alleles (0.00056%); highest among the groups gnomAD compares: Admixed American, 0.0033%; no homozygotes.

Submissions (2):

PreventionGenetics, part of Exact Sciences
Classification: Uncertain significance for REST-related condition. Last evaluated: 2026-01-29. Review status: criteria provided, single submitter. Criteria: ACMG Guidelines, 2015. Collection method: clinical testing. Allele origin: germline.
Comment: The REST c.3230A>G variant is predicted to result in the amino acid substitution p.Lys1077Arg. To our knowledge, this variant has not been reported in the literature. This variant is reported in 0.0058% of alleles in individuals of Latino descent in gnomAD. At this time, the clinical significance of this variant is uncertain due to the absence of conclusive functional and genetic evidence.

Labcorp Genetics (formerly Invitae), Labcorp
Classification: Uncertain significance. Last evaluated: 2024-06-28. Review status: criteria provided, single submitter. Criteria: Invitae Variant Classification Sherloc (09022015). Collection method: clinical testing. Allele origin: germline.
Comment: This sequence change replaces lysine, which is basic and polar, with arginine, which is basic and polar, at codon 1077 of the REST protein (p.Lys1077Arg). This variant is present in population databases (rs756954268, gnomAD 0.006%). This variant has not been reported in the literature in individuals affected with REST-related conditions. An algorithm developed to predict the effect of missense changes on protein structure and function (PolyPhen-2) suggests that this variant is likely to be disruptive. In summary, the available evidence is currently insufficient to determine the role of this variant in disease. Therefore, it has been classified as a Variant of Uncertain Significance.

NM_005612.5(REST):c.3230A>G (p.Lys1077Arg)

Gene: REST (RE1 silencing transcription factor; plus strand). Cytogenetic location: 4q12.
Variant type: single nucleotide variant.
Coding change: c.3230A>G on transcript NM_005612.5 (MANE Select); coding-DNA position 3230, A replaced by G.
Protein change: p.Lys1077Arg; replaces lysine 1077 with arginine.
Molecular consequence: missense variant.
Genome position (GRCh38, 1-based): chr4:56,932,088, A>G. VCF-style: chr4-56932088-A-G. GRCh37 (hg19) VCF-style: chr4-57798254-A-G.
Other names: c.3230A>G (NM_005612.4); c.3230A>G, p.Lys1077Arg (NM_001193508.2, NM_001363453.3); short protein forms K1077R.
Identifiers: ClinVar variation 2966644 (VCV002966644.4), dbSNP rs756954268, ClinGen allele CA2932637.